The following is an entry in ClinVar:

GRCh37/hg19 5p15.33-14.2(chr5:113576-23364376)x1

Genes: ADAMTS16 (ADAM metallopeptidase with thrombospondin type 1 motif 16; plus strand), ADCY2 (adenylate cyclase 2; plus strand), AHRR (aryl hydrocarbon receptor repressor; plus strand), ANKH (ANKH inorganic pyrophosphate transport regulator; minus strand), ANKRD33B (ankyrin repeat domain 33B; plus strand) and 60 more. Cytogenetic location: 5p15.33-14.2.
Variant type: copy number loss.
Change: copy number 1 (one copy instead of two) of chr5:113,576-23,364,376 (23.25 Mb, GRCh37 coordinates, 1-based), cytogenetic band 5p15.33-14.2.
Identifiers: ClinVar variation 814652 (VCV000814652.1).

ClinVar aggregate classification (germline): Pathogenic (1 of 4 stars; one submission).

Submission:

Quest Diagnostics Nichols Institute San Juan Capistrano
Classification: Pathogenic. Last evaluated: 2024-06-06. Review status: criteria provided, single submitter. Criteria: ACMG/ClinGen CNV Guidelines, 2019. Collection method: clinical testing. Allele origin: unknown.
Comment: This terminal deletion of 5p contains the region associated with Cri-du-chat syndrome (ISCA-37390; OMIM 123450; Ajitkumar et al., StatPearls. [2022 Oct 25]. PMID: 29494067, Zhang et al., Am J Hum Genet. 2005 Feb;76(2):312-26. PMID: 15635506). Thus, this CNV is classified as pathogenic.